The following is an entry in ClinVar:

ClinVar aggregate classification (germline): Uncertain significance (1 of 4 stars; one submission).

Conditions:
Inborn genetic diseases. Identifiers: MedGen C0950123, MeSH D030342.

gnomAD v4.1: 1 of 1,217,118 alleles (0.000082%); highest among the groups gnomAD compares: African/African-American, 0.0016%; no homozygotes.

Submission:

Ambry Genetics
Classification: Uncertain significance for Inborn genetic diseases. Last evaluated: 2025-02-21. Review status: criteria provided, single submitter. Criteria: Ambry Variant Classification Scheme 2023. Collection method: clinical testing. Allele origin: germline.
Comment: The p.P153A variant (also known as c.457C>G), located in coding exon 1 of the CEBPA gene, results from a C to G substitution at nucleotide position 457. The proline at codon 153 is replaced by alanine, an amino acid with highly similar properties. This amino acid position is conserved. In addition, this alteration is predicted to be tolerated by in silico analysis. Based on the available evidence, the clinical significance of this variant remains unclear.

NM_004364.5(CEBPA):c.457C>G (p.Pro153Ala)

Gene: CEBPA (CCAAT enhancer binding protein alpha; minus strand). Cytogenetic location: 19q13.11.
Variant type: single nucleotide variant.
Coding change: c.457C>G on transcript NM_004364.5 (MANE Select); coding-DNA position 457, C replaced by G.
Protein change: p.Pro153Ala; replaces proline 153 with alanine.
Molecular consequence: missense variant.
Genome position (GRCh38, 1-based): chr19:33,301,958, G>C on the plus strand (C>G on the coding strand, the complement: CEBPA is on the minus strand). VCF-style: chr19-33301958-G-C. GRCh37 (hg19) VCF-style: chr19-33792864-G-C.
Other names: c.100C>G, p.Pro34Ala (NM_001285829.2); c.562C>G, p.Pro188Ala (NM_001287424.2); c.415C>G, p.Pro139Ala (NM_001287435.2); short protein forms P153A, P139A, P188A, P34A.
Identifiers: ClinVar variation 3831231 (VCV003831231.1).